The following is an entry in ClinVar:

NM_003774.5(GALNT4):c.978G>A (p.Thr326=)

Genes: GALNT4 (polypeptide N-acetylgalactosaminyltransferase 4; minus strand), POC1B (POC1 centriolar protein B; minus strand), POC1B-DUSP6 (POC1B-DUSP6 readthrough; minus strand), POC1B-GALNT4 (POC1B-GALNT4 readthrough; minus strand). Cytogenetic location: 12q21.33.
Variant type: single nucleotide variant.
Coding change: c.978G>A on transcript NM_003774.5 (MANE Select); coding-DNA position 978, G replaced by A.
Protein change: p.Thr326=; no amino-acid change (threonine 326 retained).
Molecular consequence: synonymous variant. On other transcripts: intron variant (2).
Genome position (GRCh38, 1-based): chr12:89,523,572, C>T on the plus strand (G>A on the coding strand, the complement: GALNT4 is on the minus strand). VCF-style: chr12-89523572-C-T. GRCh37 (hg19) VCF-style: chr12-89917349-C-T.
Other names: c.969G>A, p.Thr323= (NM_001199781.2); c.462G>A, p.Thr154= (NM_001199782.1); c.100+1548G>A (NM_172240.3); c.-27+1548G>A (NM_001199777.2).
Identifiers: ClinVar variation 2643213 (VCV002643213.24), dbSNP rs200228838, ClinGen allele CA6714760.

ClinVar aggregate classification (germline): Likely benign (1 of 4 stars; one submission).

Allele frequency attached by ClinVar (database versions not stated): 1000 Genomes Project 0.00040; 1000 Genomes Project 30x 0.00062; gnomAD exomes 0.00067; gnomAD 0.00106; ExAC 0.00110; ESP Exome Variant Server 0.00121.
gnomAD v4.1: 1,193 of 1,590,228 alleles (0.075%); highest among the groups gnomAD compares: Middle Eastern, 0.75%; 10 homozygotes.

Submission:

CeGaT Center for Human Genetics Tuebingen
Classification: Likely benign. Last evaluated: 2022-12-01. Review status: criteria provided, single submitter. Criteria: CeGaT Center For Human Genetics Tuebingen Variant Classification Criteria Version 2. Collection method: clinical testing. Allele origin: germline. Affected: yes. Observed: 1 variant allele.
Comment: GALNT4: BP4, BP7, BS2; POC1B: BS2; POC1B-GALNT4: BP4, BP7, BS2